The following is an entry in ClinVar:

ClinVar aggregate classification (germline): Benign (0 of 4 stars; one submission).

Conditions:
CELSR1-related disorder. Also called: CELSR1-related condition.

Allele frequency attached by ClinVar (database versions not stated): 1000 Genomes Project 30x 0.07121; 1000 Genomes Project 0.07169; ExAC 0.07425; gnomAD exomes 0.08481; gnomAD 0.09004; TOPMed 0.09010; ESP Exome Variant Server 0.09703.
gnomAD v4.1: 137,187 of 1,612,144 alleles (8.5%); highest among the groups gnomAD compares: African/African-American, 12%; 6,305 homozygotes.

Submission:

PreventionGenetics, part of Exact Sciences
Classification: Benign for CELSR1-related condition. Last evaluated: 2019-12-03. Review status: no assertion criteria provided. Collection method: clinical testing. Allele origin: germline.
Comment: This variant is classified as benign based on ACMG/AMP sequence variant interpretation guidelines (Richards et al. 2015 PMID: 25741868, with internal and published modifications).

NM_001378328.1(CELSR1):c.6441G>A (p.Thr2147=)

Gene: CELSR1 (cadherin EGF LAG seven-pass G-type receptor 1; minus strand). Cytogenetic location: 22q13.31.
Variant type: single nucleotide variant.
Coding change: c.6441G>A on transcript NM_001378328.1 (MANE Select); coding-DNA position 6441, G replaced by A.
Protein change: p.Thr2147=; no amino-acid change (threonine 2147 retained).
Molecular consequence: synonymous variant.
Genome position (GRCh38, 1-based): chr22:46,389,404, C>T on the plus strand (G>A on the coding strand, the complement: CELSR1 is on the minus strand). VCF-style: chr22-46389404-C-T. GRCh37 (hg19) VCF-style: chr22-46785301-C-T.
Other names: c.6441G>A, p.Thr2147= (NM_014246.4).
Identifiers: ClinVar variation 3055631 (VCV003055631.2), dbSNP rs11090875, ClinGen allele CA10293782.